The following is an entry in ClinVar:

NM_015062.5(PPRC1):c.904A>G (p.Ile302Val)

Genes: PPRC1 (PPARG related coactivator 1; plus strand), LOC126861022 (CDK7 strongly-dependent group 2 enhancer GRCh37_chr10:103897995-103899194; plus strand). Cytogenetic location: 10q24.32.
Variant type: single nucleotide variant.
Coding change: c.904A>G on transcript NM_015062.5 (MANE Select); coding-DNA position 904, A replaced by G.
Protein change: p.Ile302Val; replaces isoleucine 302 with valine.
Molecular consequence: missense variant.
Genome position (GRCh38, 1-based): chr10:102,139,412, A>G. VCF-style: chr10-102139412-A-G. GRCh37 (hg19) VCF-style: chr10-103899169-A-G.
Other names: c.904A>G, p.Ile302Val (NM_001288727.2); c.544A>G, p.Ile182Val (NM_001288728.2); short protein forms I302V, I182V.
Identifiers: ClinVar variation 161691 (VCV000161691.2), dbSNP rs193920990, ClinGen allele CA174605.

ClinVar aggregate classification (germline): Uncertain significance (0 of 4 stars; one submission).

Conditions:
Prostate cancer. Also called: Malignant tumor of prostate. Identifiers: Orphanet 1331, MedGen C0376358, MONDO:0008315, HP:0012125.

Allele frequency attached by ClinVar (database versions not stated): ExAC 0.00002; gnomAD 0.00004 and 0.00003; gnomAD exomes 0.00001; TOPMed 0.00003; ESP Exome Variant Server 0.00015.
gnomAD v4.1: 8 of 1,614,126 alleles (0.0005%); highest among the groups gnomAD compares: African/African-American, 0.0093%; no homozygotes.

Submission:

Science for Life laboratory,  Karolinska Institutet
Classification: Uncertain significance for Malignant tumor of prostate. Review status: no assertion criteria provided. Collection method: not provided. Allele origin: somatic.
Comment: TumorID:SWE-4
ClinVar note: Converted during submission from Unknown to Uncertain significance.